The following is an entry in ClinVar:

ClinVar aggregate classification (germline): Uncertain significance (1 of 4 stars; one submission).

Submission:

Labcorp Genetics (formerly Invitae), Labcorp
Classification: Uncertain significance. Last evaluated: 2025-04-10. Review status: criteria provided, single submitter. Criteria: Invitae Variant Classification Sherloc (09022015). Collection method: clinical testing. Allele origin: germline.
Comment: This sequence change replaces aspartic acid, which is acidic and polar, with tyrosine, which is neutral and polar, at codon 287 of the POLE protein (p.Asp287Tyr). This variant is not present in population databases (gnomAD no frequency). This variant has not been reported in the literature in individuals affected with POLE-related conditions. Invitae Evidence Modeling of protein sequence and biophysical properties (such as structural, functional, and spatial information, amino acid conservation, physicochemical variation, residue mobility, and thermodynamic stability) indicates that this missense variant is expected to disrupt POLE protein function with a positive predictive value of 80%. In summary, the available evidence is currently insufficient to determine the role of this variant in disease. Therefore, it has been classified as a Variant of Uncertain Significance.

NM_006231.4(POLE):c.859G>T (p.Asp287Tyr)

Gene: POLE (DNA polymerase epsilon, catalytic subunit; minus strand). Cytogenetic location: 12q24.33.
Variant type: single nucleotide variant.
Coding change: c.859G>T on transcript NM_006231.4 (MANE Select); coding-DNA position 859, G replaced by T.
Protein change: p.Asp287Tyr; replaces aspartic acid 287 with tyrosine.
Molecular consequence: missense variant.
Genome position (GRCh38, 1-based): chr12:132,676,596, C>A on the plus strand (G>T on the coding strand, the complement: POLE is on the minus strand). VCF-style: chr12-132676596-C-A. GRCh37 (hg19) VCF-style: chr12-133253182-C-A.
Other names: short protein forms D287Y.
Identifiers: ClinVar variation 4763858 (VCV004763858.1).
Genomic context (GRCh38, chr12:132,676,596, plus strand): 5'-ACCTGCTCACCTGGCCATCGATCATGTAGGAAATCATCATAATCTGGTCTGTCTCAGCAT[C>A]AGGAAACTTGAGGGGCAGTTTGGTCGTCTCAATGTCAAATGCCAAAACCACAGGGTCCTG-3'
Protein context (NP_006222.2, residues 277-297): ETTKLPLKFP[Asp287Tyr]AETDQIMMIS